The following is an entry in ClinVar:

ClinVar aggregate classification (germline): Uncertain significance (1 of 4 stars; one submission).

Conditions:
HNRNPU-related disorder. Also called: HNRNPU-related condition.

Submission:

PreventionGenetics, part of Exact Sciences
Classification: Uncertain significance for HNRNPU-related condition. Last evaluated: 2025-10-14. Review status: criteria provided, single submitter. Criteria: ACMG Guidelines, 2015. Collection method: clinical testing. Allele origin: germline.
Comment: The HNRNPU c.913C>G variant is predicted to result in the amino acid substitution p.Arg305Gly. To our knowledge, this variant has not been reported in the literature or in a large population database (gnomAD), indicating this variant is rare. At this time, the clinical significance of this variant is uncertain due to the absence of conclusive functional and genetic evidence.

NM_031844.3(HNRNPU):c.913C>G (p.Arg305Gly)

Gene: HNRNPU (heterogeneous nuclear ribonucleoprotein U; minus strand). Cytogenetic location: 1q44.
Variant type: single nucleotide variant.
Coding change: c.913C>G on transcript NM_031844.3 (MANE Select); coding-DNA position 913, C replaced by G.
Protein change: p.Arg305Gly; replaces arginine 305 with glycine.
Molecular consequence: missense variant.
Genome position (GRCh38, 1-based): chr1:244,860,439, G>C on the plus strand (C>G on the coding strand, the complement: HNRNPU is on the minus strand). VCF-style: chr1-244860439-G-C. GRCh37 (hg19) VCF-style: chr1-245023741-G-C.
Other names: c.856C>G, p.Arg286Gly (NM_004501.3); short protein forms R286G, R305G.
Identifiers: ClinVar variation 2631156 (VCV002631156.2), dbSNP rs2527885312, ClinGen allele CA345494350.